The following is an entry in ClinVar:

NM_001868.4(CPA1):c.1228A>G (p.Ile410Val)

Gene: CPA1 (carboxypeptidase A1; plus strand). Cytogenetic location: 7q32.2.
Variant type: single nucleotide variant.
Coding change: c.1228A>G on transcript NM_001868.4 (MANE Select); coding-DNA position 1228, A replaced by G.
Protein change: p.Ile410Val; replaces isoleucine 410 with valine.
Molecular consequence: missense variant.
Genome position (GRCh38, 1-based): chr7:130,387,979, A>G. VCF-style: chr7-130387979-A-G. GRCh37 (hg19) VCF-style: chr7-130027820-A-G.
Other names: c.1228A>G (NM_001868.2); short protein forms I410V.
Identifiers: ClinVar variation 1368656 (VCV001368656.8), dbSNP rs782718650, ClinGen allele CA4485087.

ClinVar aggregate classification (germline): Uncertain significance. Review status: criteria provided, multiple submitters, no conflicts (2 of 4 stars). 2 submissions from 2 submitters: Uncertain significance (2). Last evaluated 2025-09-15.

Conditions:
Hereditary pancreatitis (PCTT). Also called: PRSS1-Related Hereditary Pancreatitis; Hereditary chronic pancreatitis. Identifiers: Orphanet 676, MedGen C0238339, MONDO:0008185, OMIM 167800.

Allele frequency attached by ClinVar (database versions not stated): ExAC 0.00002; gnomAD 0.00002; gnomAD exomes 0.00003 and 0.00004.
gnomAD v4.1: 44 of 1,613,968 alleles (0.0027%); highest among the groups gnomAD compares: Non-Finnish European, 0.002%; no homozygotes.

Submissions (2):

Labcorp Genetics (formerly Invitae), Labcorp
Classification: Uncertain significance. Last evaluated: 2025-09-15. Review status: criteria provided, single submitter. Criteria: Invitae Variant Classification Sherloc (09022015). Collection method: clinical testing. Allele origin: germline.
Comment: This sequence change replaces isoleucine, which is neutral and non-polar, with valine, which is neutral and non-polar, at codon 410 of the CPA1 protein (p.Ile410Val). This variant is present in population databases (rs782718650, gnomAD 0.04%). This variant has not been reported in the literature in individuals affected with CPA1-related conditions. ClinVar contains an entry for this variant (Variation ID: 1368656). Invitae Evidence Modeling of protein sequence and biophysical properties (such as structural, functional, and spatial information, amino acid conservation, physicochemical variation, residue mobility, and thermodynamic stability) indicates that this missense variant is not expected to disrupt CPA1 protein function with a negative predictive value of 80%. In summary, the available evidence is currently insufficient to determine the role of this variant in disease. Therefore, it has been classified as a Variant of Uncertain Significance.

Ambry Genetics
Classification: Uncertain significance for Hereditary pancreatitis. Last evaluated: 2025-05-31. Review status: criteria provided, single submitter. Criteria: Ambry Variant Classification Scheme 2023. Collection method: clinical testing. Allele origin: germline.
Comment: The p.I410V variant (also known as c.1228A>G), located in coding exon 10 of the CPA1 gene, results from an A to G substitution at nucleotide position 1228. The isoleucine at codon 410 is replaced by valine, an amino acid with highly similar properties. This amino acid position is highly conserved in available vertebrate species. In addition, this alteration is predicted to be tolerated by in silico analysis. Since supporting evidence is limited at this time, the clinical significance of this alteration remains unclear.